The following is an entry in ClinVar:

NM_004444.5(EPHB4):c.1301C>T (p.Pro434Leu)

Gene: EPHB4 (EPH receptor B4; minus strand). Cytogenetic location: 7q22.1.
Variant type: single nucleotide variant.
Coding change: c.1301C>T on transcript NM_004444.5 (MANE Select); coding-DNA position 1301, C replaced by T.
Protein change: p.Pro434Leu; replaces proline 434 with leucine.
Molecular consequence: missense variant.
Genome position (GRCh38, 1-based): chr7:100,818,641, G>A on the plus strand (C>T on the coding strand, the complement: EPHB4 is on the minus strand). VCF-style: chr7-100818641-G-A. GRCh37 (hg19) VCF-style: chr7-100416263-G-A.
Other names: short protein forms P434L.
Identifiers: ClinVar variation 4614126 (VCV004614126.1).

ClinVar aggregate classification (germline): Uncertain significance (1 of 4 stars; one submission).

Conditions:
Cardiovascular phenotype. Identifiers: MedGen CN230736.

gnomAD v4.1: 1 of 1,608,648 alleles (0.000062%); highest among the groups gnomAD compares: Admixed American, 0.0017%; no homozygotes.

Submission:

Ambry Genetics
Classification: Uncertain significance for Cardiovascular phenotype. Last evaluated: 2025-09-18. Review status: criteria provided, single submitter. Criteria: Ambry Variant Classification Scheme 2023. Collection method: clinical testing. Allele origin: germline.
Comment: The p.P434L variant (also known as c.1301C>T), located in coding exon 7 of the EPHB4 gene, results from a C to T substitution at nucleotide position 1301. The proline at codon 434 is replaced by leucine, an amino acid with similar properties. This amino acid position is conserved. In addition, the in silico prediction for this alteration is inconclusive. Based on the available evidence, the clinical significance of this variant remains unclear.